The following is an entry in ClinVar:

ClinVar aggregate classification (germline): Uncertain significance. Review status: criteria provided, multiple submitters, no conflicts (2 of 4 stars). 2 submissions from 2 submitters: Uncertain significance (2). Last evaluated 2025-06-03.

Conditions:
Inborn genetic diseases. Identifiers: MedGen C0950123, MeSH D030342.

Allele frequency attached by ClinVar (database versions not stated): TOPMed 0.00005; gnomAD 0.00001; ExAC 0.00002; gnomAD exomes 0.00002.
gnomAD v4.1: 22 of 1,613,496 alleles (0.0014%); highest among the groups gnomAD compares: Middle Eastern, 0.033%; no homozygotes.

Submissions (2):

Ambry Genetics
Classification: Uncertain significance for Inborn genetic diseases. Last evaluated: 2025-06-03. Review status: criteria provided, single submitter. Criteria: Ambry Variant Classification Scheme 2023. Collection method: clinical testing. Allele origin: germline.

Labcorp Genetics (formerly Invitae), Labcorp
Classification: Uncertain significance. Last evaluated: 2021-09-24. Review status: criteria provided, single submitter. Criteria: Invitae Variant Classification Sherloc (09022015). Collection method: clinical testing. Allele origin: germline.
Comment: This sequence change replaces arginine with cysteine at codon 1020 of the TONSL protein (p.Arg1020Cys). The arginine residue is highly conserved and there is a large physicochemical difference between arginine and cysteine. This variant is present in population databases (rs777714078, ExAC 0.01%). This variant has not been reported in the literature in individuals with TONSL-related conditions. Algorithms developed to predict the effect of missense changes on protein structure and function (SIFT, PolyPhen-2, Align-GVGD) all suggest that this variant is likely to be disruptive, but these predictions have not been confirmed by published functional studies and their clinical significance is uncertain. In summary, the available evidence is currently insufficient to determine the role of this variant in disease. Therefore, it has been classified as a Variant of Uncertain Significance.

NM_013432.5(TONSL):c.3058C>T (p.Arg1020Cys)

Gene: TONSL (tonsoku like, DNA repair protein; minus strand). Cytogenetic location: 8q24.3.
Variant type: single nucleotide variant.
Coding change: c.3058C>T on transcript NM_013432.5 (MANE Select); coding-DNA position 3058, C replaced by T.
Protein change: p.Arg1020Cys; replaces arginine 1020 with cysteine.
Molecular consequence: missense variant.
Genome position (GRCh38, 1-based): chr8:144,434,838, G>A on the plus strand (C>T on the coding strand, the complement: TONSL is on the minus strand). VCF-style: chr8-144434838-G-A. GRCh37 (hg19) VCF-style: chr8-145660221-G-A.
Other names: c.3058C>T (NM_013432.4); short protein forms R1020C.
Identifiers: ClinVar variation 1479758 (VCV001479758.6), dbSNP rs777714078, ClinGen allele CA4942614.
Genomic context (GRCh38, chr8:144,434,838, plus strand): 5'-TCACCCAGAAACTGCAGCTCTCCTGGCCCTCACCTTGCCCCAGGCTCTGGCAGGCCCTGC[G>A]GTAGCGGTCAGTCAACGGGGGCAGGTCCCACGAAGTCACCTCAGCCAACACCTGGAAGGC-3'
Protein context (NP_038460.4, residues 1010-1030): WDLPPLTDRY[Arg1020Cys]RACQSLGQGE